The following is an entry in ClinVar:

ClinVar aggregate classification (germline): Pathogenic. Review status: criteria provided, multiple submitters, no conflicts (2 of 4 stars). 3 submissions from 3 submitters: Pathogenic (3). Last evaluated 2024-12-17.

Conditions:
Hereditary cancer-predisposing syndrome. Also called: Hereditary Cancer Syndrome; Neoplastic Syndromes, Hereditary; Tumor predisposition; Hereditary neoplastic syndrome. Identifiers: Orphanet 140162, MedGen C0027672, MeSH D009386, MONDO:0015356.
Familial adenomatous polyposis 1 (FAP1). Also called: FAMILIAL ADENOMATOUS POLYPOSIS 1, ATTENUATED; POLYPOSIS, ADENOMATOUS INTESTINAL. Identifiers: MedGen C2713442, MONDO:0021056, OMIM 175100. Disease mechanism: loss of function.

Submissions (3):

Ambry Genetics
Classification: Pathogenic for Hereditary cancer-predisposing syndrome. Last evaluated: 2024-12-17. Review status: criteria provided, single submitter. Criteria: Ambry Variant Classification Scheme 2023. Collection method: clinical testing. Allele origin: germline.
Comment: The p.L852* pathogenic mutation (also known as c.2555T>A), located in coding exon 15 of the APC gene, results from a T to A substitution at nucleotide position 2555. This changes the amino acid from a leucine to a stop codon within coding exon 15. This alteration occurs at the 3' terminus of theAPC gene, is not expected to trigger nonsense-mediated mRNA decay, and only impacts the last 1992 amino acids of the protein. However, premature stop codons are typically deleterious in nature, and the impacted region is critical for protein function (Ambry internal data). This variant was not reported in population-based cohorts in the Genome Aggregation Database (gnomAD). Based on the supporting evidence, this alteration is interpreted as a disease-causing mutation.

Myriad Genetics, Inc.
Classification: Pathogenic for Familial adenomatous polyposis 1. Last evaluated: 2023-05-04. Review status: criteria provided, single submitter. Criteria: Myriad Autosomal Dominant, Autosomal Recessive and X-Linked Classification Criteria (2023). Collection method: clinical testing. Allele origin: unknown.
Comment: This variant is considered pathogenic. This variant creates a termination codon and is predicted to result in premature protein truncation.

Clinical Genetics and Genomics, Karolinska University Hospital
Classification: Pathogenic. Last evaluated: 2015-09-15. Review status: criteria provided, single submitter. Criteria: ACMG Guidelines, 2015. Collection method: clinical testing. Allele origin: germline. Affected: yes. Observed: 2 variant alleles.

NM_000038.6(APC):c.2555T>A (p.Leu852Ter)

Gene: APC (APC regulator of Wnt signaling pathway; plus strand). Cytogenetic location: 5q22.2.
Variant type: single nucleotide variant.
Coding change: c.2555T>A on transcript NM_000038.6 (MANE Select); coding-DNA position 2555, T replaced by A.
Protein change: p.Leu852Ter; replaces leucine 852 with a stop codon.
Molecular consequence: nonsense.
Genome position (GRCh38, 1-based): chr5:112,838,149, T>A. VCF-style: chr5-112838149-T-A. GRCh37 (hg19) VCF-style: chr5-112173846-T-A.
Other names: c.2555T>A, p.Leu852Ter (NM_001127510.3, NM_001354895.2); c.2501T>A, p.Leu834Ter (NM_001127511.3); c.2609T>A, p.Leu870Ter (NM_001354896.2); c.2585T>A, p.Leu862Ter (NM_001354897.2); c.2480T>A, p.Leu827Ter (NM_001354898.2); c.2471T>A, p.Leu824Ter (NM_001354899.2); c.2432T>A, p.Leu811Ter (NM_001354900.2); c.2378T>A, p.Leu793Ter (NM_001354901.2); and 5 more; short protein forms L569*, L692*, L726*, L751*, L761*, L793*, L811*, L824*.
Identifiers: ClinVar variation 988522 (VCV000988522.5), dbSNP rs1405022793, ClinGen allele CA16026930.